The following is an entry in ClinVar:

ClinVar aggregate classification (germline): Uncertain significance (1 of 4 stars; one submission).

Submission:

Labcorp Genetics (formerly Invitae), Labcorp
Classification: Uncertain significance. Last evaluated: 2025-03-13. Review status: criteria provided, single submitter. Criteria: Invitae Variant Classification Sherloc (09022015). Collection method: clinical testing. Allele origin: germline.
Comment: This sequence change replaces arginine, which is basic and polar, with glycine, which is neutral and non-polar, at codon 231 of the COL9A3 protein (p.Arg231Gly). This variant is not present in population databases (gnomAD no frequency). This variant has not been reported in the literature in individuals affected with COL9A3-related conditions. Invitae Evidence Modeling of protein sequence and biophysical properties (such as structural, functional, and spatial information, amino acid conservation, physicochemical variation, residue mobility, and thermodynamic stability) indicates that this missense variant is not expected to disrupt COL9A3 protein function with a negative predictive value of 95%. In summary, the available evidence is currently insufficient to determine the role of this variant in disease. Therefore, it has been classified as a Variant of Uncertain Significance.

NM_001853.4(COL9A3):c.691C>G (p.Arg231Gly)

Gene: COL9A3 (collagen type IX alpha 3 chain; plus strand). Cytogenetic location: 20q13.33.
Variant type: single nucleotide variant.
Coding change: c.691C>G on transcript NM_001853.4 (MANE Select); coding-DNA position 691, C replaced by G.
Protein change: p.Arg231Gly; replaces arginine 231 with glycine.
Molecular consequence: missense variant.
Genome position (GRCh38, 1-based): chr20:62,826,210, C>G. VCF-style: chr20-62826210-C-G. GRCh37 (hg19) VCF-style: chr20-61457562-C-G.
Other names: short protein forms R231G.
Identifiers: ClinVar variation 4803133 (VCV004803133.1).